The following is an entry in ClinVar:

NM_000057.4(BLM):c.2064G>A (p.Leu688=)

Gene: BLM (BLM RecQ like helicase; plus strand). Cytogenetic location: 15q26.1.
Variant type: single nucleotide variant.
Coding change: c.2064G>A on transcript NM_000057.4 (MANE Select); coding-DNA position 2064, G replaced by A.
Protein change: p.Leu688=; no amino-acid change (leucine 688 retained).
Molecular consequence: synonymous variant.
Genome position (GRCh38, 1-based): chr15:90,763,147, G>A. VCF-style: chr15-90763147-G-A. GRCh37 (hg19) VCF-style: chr15-91306377-G-A.
Other names: c.2064G>A, p.Leu688= (NM_001287246.2, NM_001287247.2); c.939G>A, p.Leu313= (NM_001287248.2).
Identifiers: ClinVar variation 1785272 (VCV001785272.10), dbSNP rs2151160814, ClinGen allele CA492158570.
Genomic context (GRCh38, chr15:90,763,147, plus strand): 5'-TAGAACTAATCAGCTAGAGGCGATCAATGCTGCACTGCTTGGTGAAGACTGTTTTATCCT[G>A]ATGCCGACTGGTATGTATTTTTAGAAGTGAATTGGCAGGAATCCATTGGCAGATGTTAAA-3'
Protein context (NP_000048.1, residues 678-698): AALLGEDCFI[Leu688=]MPTGGGKSLC

ClinVar aggregate classification (germline): Likely benign. Review status: criteria provided, multiple submitters, no conflicts (2 of 4 stars). 2 submissions from 2 submitters: Likely benign (2). Last evaluated 2025-08-01.

Conditions:
Hereditary cancer-predisposing syndrome. Also called: Hereditary neoplastic syndrome; Neoplastic Syndromes, Hereditary; Tumor predisposition; Hereditary Cancer Syndrome. Identifiers: Orphanet 140162, MedGen C0027672, MeSH D009386, MONDO:0015356.

Submissions (2):

CeGaT Center for Human Genetics Tuebingen
Classification: Likely benign. Last evaluated: 2025-08-01. Review status: criteria provided, single submitter. Criteria: CeGaT Center For Human Genetics Tuebingen Variant Classification Criteria Version 2. Collection method: clinical testing. Allele origin: germline. Affected: yes. Observed: 1 variant allele.
Comment: BLM: PM2:Supporting, BP4, BP7

Ambry Genetics
Classification: Likely benign for Hereditary cancer-predisposing syndrome. Last evaluated: 2020-06-10. Review status: criteria provided, single submitter. Criteria: Ambry Variant Classification Scheme 2023. Collection method: clinical testing. Allele origin: germline.